The following is an entry in ClinVar:

NC_000013.10:g.(?_48939020)_(48939117_?)del

Gene: RB1 (RB transcriptional corepressor 1; plus strand). Cytogenetic location: 13q14.2.
Variant type: Deletion.
Identifiers: ClinVar variation 1372768 (VCV001372768.4).

ClinVar aggregate classification (germline): Uncertain significance (1 of 4 stars; one submission).

Conditions:
Retinoblastoma (RB1). Also called: RETINOBLASTOMA, SOMATIC. Identifiers: Orphanet 790, MedGen C0035335, MeSH D012175, MONDO:0008380, OMIM 180200, HP:0009919. Disease mechanism: loss of function. Inheritance: Both sporadic and heritable forms are tested..

Submission:

Labcorp Genetics (formerly Invitae), Labcorp
Classification: Uncertain significance for Retinoblastoma. Last evaluated: 2021-09-07. Review status: criteria provided, single submitter. Criteria: Invitae Variant Classification Sherloc (09022015). Collection method: clinical testing. Allele origin: germline.
Comment: In summary, the available evidence is currently insufficient to determine the role of this variant in disease. Therefore, it has been classified as a Variant of Uncertain Significance. Experimental studies and prediction algorithms are not available or were not evaluated, and the functional significance of this variant is currently unknown. This variant has not been reported in the literature in individuals affected with RB1-related conditions. This variant is a gross deletion of the genomic region encompassing exon(s) 9 of the RB1 gene. This variant would be expected to be in-frame, preserving the integrity of the reading frame.